The following is an entry in ClinVar:

NM_001297.5(CNGB1):c.3533A>T (p.Glu1178Val)

Gene: CNGB1 (cyclic nucleotide gated channel subunit beta 1; minus strand). Cytogenetic location: 16q21.
Variant type: single nucleotide variant.
Coding change: c.3533A>T on transcript NM_001297.5 (MANE Select); coding-DNA position 3533, A replaced by T.
Protein change: p.Glu1178Val; replaces glutamic acid 1178 with valine.
Molecular consequence: missense variant.
Genome position (GRCh38, 1-based): chr16:57,884,387, T>A on the plus strand (A>T on the coding strand, the complement: CNGB1 is on the minus strand). VCF-style: chr16-57884387-T-A. GRCh37 (hg19) VCF-style: chr16-57918291-T-A.
Other names: c.3515A>T, p.Glu1172Val (NM_001286130.2); short protein forms E1172V, E1178V.
Identifiers: ClinVar variation 1006339 (VCV001006339.8), dbSNP rs1959850336, ClinGen allele CA396059855.

ClinVar aggregate classification (germline): Uncertain significance (1 of 4 stars; one submission).

Submission:

Labcorp Genetics (formerly Invitae), Labcorp
Classification: Uncertain significance. Last evaluated: 2022-07-19. Review status: criteria provided, single submitter. Criteria: Invitae Variant Classification Sherloc (09022015). Collection method: clinical testing. Allele origin: germline.
Comment: In summary, the available evidence is currently insufficient to determine the role of this variant in disease. Therefore, it has been classified as a Variant of Uncertain Significance. Algorithms developed to predict the effect of sequence changes on RNA splicing suggest that this variant may create or strengthen a splice site. Advanced modeling of protein sequence and biophysical properties (such as structural, functional, and spatial information, amino acid conservation, physicochemical variation, residue mobility, and thermodynamic stability) performed at Invitae indicates that this missense variant is not expected to disrupt CNGB1 protein function. This sequence change replaces glutamic acid, which is acidic and polar, with valine, which is neutral and non-polar, at codon 1178 of the CNGB1 protein (p.Glu1178Val). This variant is not present in population databases (gnomAD no frequency). ClinVar contains an entry for this variant (Variation ID: 1006339). This variant has not been reported in the literature in individuals affected with CNGB1-related conditions.